The following is an entry in ClinVar:

ClinVar aggregate classification (germline): Uncertain significance. Review status: criteria provided, multiple submitters, no conflicts (2 of 4 stars). 2 submissions from 2 submitters: Uncertain significance (2). Last evaluated 2025-12-09.

Conditions:
Inborn genetic diseases. Identifiers: MedGen C0950123, MeSH D030342.

Allele frequency attached by ClinVar (database versions not stated): ExAC 0.00001.

Submissions (2):

Labcorp Genetics (formerly Invitae), Labcorp
Classification: Uncertain significance. Last evaluated: 2025-12-09. Review status: criteria provided, single submitter. Criteria: Invitae Variant Classification Sherloc (09022015). Collection method: clinical testing. Allele origin: germline.
Comment: This sequence change replaces arginine, which is basic and polar, with glutamine, which is neutral and polar, at codon 430 of the CDH2 protein (p.Arg430Gln). This variant is present in population databases (rs202198632, gnomAD 0.007%). This variant has not been reported in the literature in individuals affected with CDH2-related conditions. ClinVar contains an entry for this variant (Variation ID: 1353405). An algorithm developed to predict the effect of missense changes on protein structure and function (PolyPhen-2) suggests that this variant is likely to be tolerated. In summary, the available evidence is currently insufficient to determine the role of this variant in disease. Therefore, it has been classified as a Variant of Uncertain Significance.

Ambry Genetics
Classification: Uncertain significance for Inborn genetic diseases. Last evaluated: 2024-12-28. Review status: criteria provided, single submitter. Criteria: Ambry Variant Classification Scheme 2023. Collection method: clinical testing. Allele origin: germline.
Comment: The p.R430Q variant (also known as c.1289G>A), located in coding exon 9 of the CDH2 gene, results from a G to A substitution at nucleotide position 1289. The arginine at codon 430 is replaced by glutamine, an amino acid with highly similar properties. This amino acid position is conserved. In addition, this alteration is predicted to be tolerated by in silico analysis. Based on the available evidence, the clinical significance of this variant remains unclear.

NM_001792.5(CDH2):c.1289G>A (p.Arg430Gln)

Gene: CDH2 (cadherin 2; minus strand). Cytogenetic location: 18q12.1.
Variant type: single nucleotide variant.
Coding change: c.1289G>A on transcript NM_001792.5 (MANE Select); coding-DNA position 1289, G replaced by A.
Protein change: p.Arg430Gln; replaces arginine 430 with glutamine.
Molecular consequence: missense variant.
Genome position (GRCh38, 1-based): chr18:27,992,710, C>T on the plus strand (G>A on the coding strand, the complement: CDH2 is on the minus strand). VCF-style: chr18-27992710-C-T. GRCh37 (hg19) VCF-style: chr18-25572674-C-T.
Other names: c.1196G>A, p.Arg399Gln (NM_001308176.2); c.1289G>A (NM_001792.3); short protein forms R430Q, R399Q.
Identifiers: ClinVar variation 1353405 (VCV001353405.8), dbSNP rs202198632, ClinGen allele CA8923463.